The following is an entry in ClinVar:

NM_001267550.2(TTN):c.48055G>A (p.Glu16019Lys)

Genes: TTN (titin; minus strand), TTN-AS1 (TTN antisense RNA 1; plus strand). Cytogenetic location: 2q31.2.
Variant type: single nucleotide variant.
Coding change: c.48055G>A on transcript NM_001267550.2 (MANE Select); coding-DNA position 48055, G replaced by A.
Protein change: p.Glu16019Lys; replaces glutamic acid 16019 with lysine.
Molecular consequence: missense variant.
Genome position (GRCh38, 1-based): chr2:178,616,834, C>T on the plus strand (G>A on the coding strand, the complement: TTN is on the minus strand). VCF-style: chr2-178616834-C-T. GRCh37 (hg19) VCF-style: chr2-179481561-C-T.
Other names: c.43132G>A, p.Glu14378Lys (NM_001256850.1); c.20860G>A, p.Glu6954Lys (NM_003319.4); c.40351G>A, p.Glu13451Lys (NM_133378.4); c.21235G>A, p.Glu7079Lys (NM_133432.3); c.21436G>A, p.Glu7146Lys (NM_133437.4); short protein forms E13451K, E14378K, E16019K, E7079K, E6954K, E7146K.
Identifiers: ClinVar variation 282186 (VCV000282186.13), dbSNP rs758399903, ClinGen allele CA1994922.
Genomic context (GRCh38, chr2:178,616,834, plus strand): 5'-TTTCTAATTTCAGTGTATAAATGCCCTTGTCTGAACGTTCACTTGGAGAAATGACAAGTT[C>T]GGCATAGGCAGACAAGGTCTTCATTTTCACCCGGTCCCCTGTTTCTAGTACTTTATCTCC-3'
Protein context (NP_001254479.2, residues 16009-16029): VKMKTLSAYA[Glu16019Lys]LVISPSERSD

ClinVar aggregate classification (germline): Conflicting classifications of pathogenicity. Review status: criteria provided, conflicting classifications (1 of 4 stars). 9 submissions from 5 submitters: Uncertain significance (7); Benign (2). Last evaluated 2026-06-03.

Conditions:
Cardiovascular phenotype. Identifiers: MedGen CN230736.
TTN-related disorder. Also called: TTN-related condition; TTN-related disease; TTN-related disorders.
Cardiomyopathy (CMYO). Also called: Cardiomyopathies. Identifiers: Orphanet 167848, MedGen C0878544, MONDO:0004994, HP:0001638. Inheritance: Various modes of inheritance.
Early-onset myopathy with fatal cardiomyopathy (CMYO5). Also called: CONGENITAL MYOPATHY 5 WITH CARDIOMYOPATHY; Salih Myopathy. Identifiers: Orphanet 289377, MedGen C2673677, MONDO:0012714, OMIM 611705. Disease mechanism: loss of function.
Myopathy, myofibrillar, 9, with early respiratory failure (MFM9). Also called: Myopathy, distal, with early respiratory failure, autosomal dominant; EDSTROM MYOPATHY; MYOPATHY, PROXIMAL, WITH EARLY RESPIRATORY MUSCLE INVOLVEMENT; Hereditary myopathy with early respiratory failure. Identifiers: Orphanet 178464, Orphanet 34521, MedGen C1863599, MONDO:0011362, OMIM 603689.
Dilated cardiomyopathy 1G (CMD1G). Identifiers: Orphanet 154, MedGen C1858763, MONDO:0011400, OMIM 604145.
Tibial muscular dystrophy (TMD). Also called: Tibial muscular dystrophy, tardive; UDD MYOPATHY; Udd Distal Myopathy – Tibial Muscular Dystrophy. Identifiers: Orphanet 609, MedGen C1838244, MONDO:0010870, OMIM 600334.
Autosomal recessive limb-girdle muscular dystrophy type 2J (LGMDR10). Also called: MUSCULAR DYSTROPHY, LIMB-GIRDLE, AUTOSOMAL RECESSIVE 10; Limb-girdle muscular dystrophy, type 2J. Identifiers: Orphanet 140922, MedGen C1837342, MONDO:0012127, OMIM 608807.

Allele frequency attached by ClinVar (database versions not stated): gnomAD 0.00001 and 0.00002; TOPMed 0.00001; ExAC 0.00002; gnomAD exomes 0.00002 and 0.00005.
gnomAD v4.1: 37 of 1,612,466 alleles (0.0023%); highest among the groups gnomAD compares: South Asian, 0.02%; no homozygotes.

Submissions (9):

PreventionGenetics, part of Exact Sciences
Classification: Uncertain significance for TTN-related condition. Last evaluated: 2026-06-03. Review status: criteria provided, single submitter. Criteria: ACMG Guidelines, 2015. Collection method: clinical testing. Allele origin: germline.
Comment: The TTN c.48055G>A variant is predicted to result in the amino acid substitution p.Glu16019Lys. To our knowledge, this variant has not been reported in the literature. This variant is reported in 0.023% of alleles in individuals of South Asian descent in gnomAD. At this time, the clinical significance of this variant is uncertain due to the absence of conclusive functional and genetic evidence.

Ambry Genetics
Classification: Uncertain significance for Cardiovascular phenotype. Last evaluated: 2020-02-21. Review status: criteria provided, single submitter. Criteria: Ambry Variant Classification Scheme 2023. Collection method: clinical testing. Allele origin: germline.
Comment: The p.E6954K variant (also known as c.20860G>A), located in coding exon 83 of the TTN gene, results from a G to A substitution at nucleotide position 20860. The glutamic acid at codon 6954 is replaced by lysine, an amino acid with similar properties. This amino acid position is highly conserved in available vertebrate species. In addition, this alteration is predicted to be tolerated by in silico analysis. Since supporting evidence is limited at this time, the clinical significance of this alteration remains unclear.

Illumina Laboratory Services, Illumina
Classification: Uncertain significance for Dilated cardiomyopathy 1G. Last evaluated: 2018-01-12. Review status: criteria provided, single submitter. Criteria: ICSL Variant Classification Criteria 13 December 2019. Collection method: clinical testing. Allele origin: germline.

Illumina Laboratory Services, Illumina
Classification: Uncertain significance for Autosomal recessive limb-girdle muscular dystrophy type 2J. Last evaluated: 2018-01-12. Review status: criteria provided, single submitter. Criteria: ICSL Variant Classification Criteria 13 December 2019. Collection method: clinical testing. Allele origin: germline.

Illumina Laboratory Services, Illumina
Classification: Benign for Myopathy, myofibrillar, 9, with early respiratory failure. Last evaluated: 2018-01-12. Review status: criteria provided, single submitter. Criteria: ICSL Variant Classification Criteria 13 December 2019. Collection method: clinical testing. Allele origin: germline.
Comment: This variant was observed in the ICSL laboratory as part of a predisposition screen in an ostensibly healthy population. It had not been previously curated by ICSL or reported in the Human Gene Mutation Database (HGMD: prior to June 1st, 2018), and was therefore a candidate for classification through an automated scoring system. Utilizing variant allele frequency, disease prevalence and penetrance estimates, and inheritance mode, an automated score was calculated to assess if this variant is too frequent to cause the disease. Based on the score and internal cut-off values, a variant classified as benign is not then subjected to further curation. The score for this variant resulted in a classification of benign for this disease.

Illumina Laboratory Services, Illumina
Classification: Benign for Tibial muscular dystrophy. Last evaluated: 2018-01-12. Review status: criteria provided, single submitter. Criteria: ICSL Variant Classification Criteria 13 December 2019. Collection method: clinical testing. Allele origin: germline.
Comment: the same text as in the submission from Illumina Laboratory Services, Illumina above.

Illumina Laboratory Services, Illumina
Classification: Uncertain significance for Early-onset myopathy with fatal cardiomyopathy. Last evaluated: 2018-01-12. Review status: criteria provided, single submitter. Criteria: ICSL Variant Classification Criteria 13 December 2019. Collection method: clinical testing. Allele origin: germline.

CHEO Genetics Diagnostic Laboratory, Children's Hospital of Eastern Ontario
Classification: Uncertain significance for Cardiomyopathy. Last evaluated: 2017-02-22. Review status: criteria provided, single submitter. Criteria: ACMG Guidelines, 2015. Collection method: clinical testing. Allele origin: germline. Study: Canadian Open Genetics Repository.

Eurofins Ntd Llc (ga)
Classification: Uncertain significance. Last evaluated: 2015-07-31. Review status: criteria provided, single submitter. Criteria: EGL Classification Definitions 2015. Collection method: clinical testing. Allele origin: germline. Observed: 1 variant allele, 1 heterozygote.